The following is an entry in ClinVar:

ClinVar aggregate classification (germline): Uncertain significance (1 of 4 stars; one submission).

Submission:

GeneDx
Classification: Uncertain significance. Last evaluated: 2022-03-01. Review status: criteria provided, single submitter. Criteria: GeneDx Variant Classification Process June 2021. Collection method: clinical testing. Allele origin: germline. Affected: yes.
Comment: Not observed at significant frequency in large population cohorts (gnomAD); In silico analysis supports that this missense variant does not alter protein structure/function; Has not been previously published as pathogenic or benign to our knowledge

NM_001271.4(CHD2):c.205G>C (p.Glu69Gln)

Gene: CHD2 (chromodomain helicase DNA binding protein 2; plus strand). Cytogenetic location: 15q26.1.
Variant type: single nucleotide variant.
Coding change: c.205G>C on transcript NM_001271.4 (MANE Select); coding-DNA position 205, G replaced by C.
Protein change: p.Glu69Gln; replaces glutamic acid 69 with glutamine.
Molecular consequence: missense variant.
Genome position (GRCh38, 1-based): chr15:92,924,463, G>C. VCF-style: chr15-92924463-G-C. GRCh37 (hg19) VCF-style: chr15-93467693-G-C.
Other names: c.205G>C, p.Glu69Gln (NM_001042572.3); short protein forms E69Q.
Identifiers: ClinVar variation 1704083 (VCV001704083.2), dbSNP rs2505384565, ClinGen allele CA393896310.